The following is an entry in ClinVar:

ClinVar aggregate classification (germline): Conflicting classifications of pathogenicity. Review status: criteria provided, conflicting classifications (1 of 4 stars). 5 submissions from 5 submitters: Uncertain significance (3); Benign (1). 1 of the submissions does not count toward it. Last evaluated 2026-01-26.

Conditions:
Intellectual disability-hypotonic facies syndrome, X-linked, 1 (MRXHF1). Also called: Smith Fineman Myers syndrome 1; XLMR-HYPOTONIC FACIES SYNDROME; CHUDLEY-LOWRY SYNDROME; Chudley syndrome 1; Chudley-Lowry-Hoar syndrome; Carpenter-Waziri syndrome. Identifiers: Orphanet 73220, Orphanet 93970, Orphanet 93971, Orphanet 93972, Orphanet 93973, Orphanet 93974, Orphanet 93975, MedGen C4759781, MONDO:0010663, OMIM 309580.
Alpha thalassemia-X-linked intellectual disability syndrome (ATRX). Also called: ALPHA-THALASSEMIA/MENTAL RETARDATION SYNDROME, X-LINKED; X-linked alpha-thalassemia-mental retardation syndrome; ATR-X syndrome; Alpha thalassemia mental retardation syndrome, nondeletion type, X-linked; XLMR hypotonic face syndrome; ATR, NONDELETION TYPE. Identifiers: Orphanet 847, MedGen C1845055, MONDO:0010519, OMIM 301040.

Allele frequency attached by ClinVar (database versions not stated): TOPMed 0.00004; gnomAD exomes below 0.00001; gnomAD 0.00003; ESP Exome Variant Server 0.00009.
gnomAD v4.1: 9 of 1,208,784 alleles (0.00074%); highest among the groups gnomAD compares: African/African-American, 0.016%; no homozygotes.

Submissions (5):

GeneDx
Classification: Uncertain significance. Last evaluated: 2026-01-26. Review status: criteria provided, single submitter. Criteria: GeneDx Variant Classification Process June 2021. Collection method: clinical testing. Allele origin: germline. Affected: yes.
Comment: In silico analysis supports that this missense variant has a deleterious effect on protein structure/function; Has not been previously published as pathogenic or benign to our knowledge

Labcorp Genetics (formerly Invitae), Labcorp
Classification: Benign for Alpha thalassemia-X-linked intellectual disability syndrome. Last evaluated: 2025-03-16. Review status: criteria provided, single submitter. Criteria: Invitae Variant Classification Sherloc (09022015). Collection method: clinical testing. Allele origin: germline.

Blueprint Genetics
Classification: Uncertain significance. Last evaluated: 2022-11-03. Review status: criteria provided, single submitter. Criteria: ACMG Guidelines, 2015. Collection method: clinical testing. Allele origin: germline.

HudsonAlpha Institute for Biotechnology
Classification: Uncertain significance for Intellectual disability-hypotonic facies syndrome, X-linked, 1. Last evaluated: 2017-03-09. Review status: criteria provided, single submitter. Criteria: HA_assertions_20161101. Collection method: research. Allele origin: maternal. Affected: yes. Observed: 1 variant allele. Study: CSER-HudsonAlpha.

Natera, Inc.
Classification: Uncertain significance for X-linked alpha-thalassemia-mental retardation syndrome. Last evaluated: 2019-10-28. Review status: no assertion criteria provided. Collection method: clinical testing. Allele origin: germline. Not counted in ClinVar's aggregate classification.

NM_000489.6(ATRX):c.2150C>T (p.Pro717Leu)

Gene: ATRX (ATRX chromatin remodeler; minus strand). Cytogenetic location: Xq21.1.
Variant type: single nucleotide variant.
Coding change: c.2150C>T on transcript NM_000489.6 (MANE Select); coding-DNA position 2150, C replaced by T.
Protein change: p.Pro717Leu; replaces proline 717 with leucine.
Molecular consequence: missense variant.
Genome position (GRCh38, 1-based): chrX:77,683,106, G>A on the plus strand (C>T on the coding strand, the complement: ATRX is on the minus strand). VCF-style: chrX-77683106-G-A. GRCh37 (hg19) VCF-style: chrX-76938598-G-A.
Other names: c.2036C>T, p.Pro679Leu (NM_138270.5); short protein forms P717L, P679L.
Identifiers: ClinVar variation 403668 (VCV000403668.18), dbSNP rs372617572, ClinGen allele CA10458118.